The following is an entry in ClinVar:

NM_005045.4(RELN):c.4978G>A (p.Ala1660Thr)

Gene: RELN (reelin; minus strand). Cytogenetic location: 7q22.1.
Variant type: single nucleotide variant.
Coding change: c.4978G>A on transcript NM_005045.4 (MANE Select); coding-DNA position 4978, G replaced by A.
Protein change: p.Ala1660Thr; replaces alanine 1660 with threonine.
Molecular consequence: missense variant.
Genome position (GRCh38, 1-based): chr7:103,565,510, C>T on the plus strand (G>A on the coding strand, the complement: RELN is on the minus strand). VCF-style: chr7-103565510-C-T. GRCh37 (hg19) VCF-style: chr7-103205957-C-T.
Other names: c.4978G>A, p.Ala1660Thr (NM_173054.3); short protein forms A1660T.
Identifiers: ClinVar variation 3376784 (VCV003376784.1).
Genomic context (GRCh38, chr7:103,565,510, plus strand): 5'-GGGAGTTGCTGAAGGGCTTGCTACAGCCCATGCTCATTTCAAACTGCAAAAAGGTAGATG[C>T]TGACACATGAAAATCCCAGGTCTCAGCATAACGAGGTTTTCCTGAAAAAAAAAAATGTGT-3'
Protein context (NP_005036.2, residues 1650-1670): YAETWDFHVS[Ala1660Thr]STFLQFEMSM

ClinVar aggregate classification (germline): Uncertain significance (1 of 4 stars; one submission).

Conditions:
Familial temporal lobe epilepsy 7. Identifiers: Orphanet 101046, MedGen C4225327, MONDO:0014639, OMIM 616436.

gnomAD v4.1: 2 of 1,613,562 alleles (0.00012%); highest among the groups gnomAD compares: East Asian, 0.0022%; no homozygotes.

Submission:

Victorian Clinical Genetics Services, Murdoch Childrens Research Institute
Classification: Uncertain significance for Familial temporal lobe epilepsy 7. Last evaluated: 2023-07-17. Review status: criteria provided, single submitter. Criteria: ACMG Guidelines, 2015. Collection method: clinical testing. Allele origin: germline. Inheritance: Autosomal dominant inheritance. Affected: yes.
Comment: Based on the classification scheme VCGS_Germline_v1.3.4, this variant is classified as VUS-3C. Following criteria are met: 0102 - Loss of function is a known mechanism of disease in this gene and is associated with autosomal recessive lissencephaly 2 (Norman-Roberts type) (MIM#257320) and autosomal dominant familial temporal lobe epilepsy, 7 (ADTLE) (MIM#616436, GeneReviews). In addition, dominant negative has been suggested for autosomal dominant neurodevelopmental disorder (MONDO#0700092), RELN-related, as two of the reported variants were functionally assessed in a pre-print (Riva et al. bioRxiv). (I) 0108 - This gene is associated with both recessive and dominant disease. (I) 0112 - The condition associated with this gene has incomplete penetrance. Penetrance is low for autosomal dominant familial temporal lobe epilepsy, 7 (ADTLE) (GeneReviews). (I) 0115 - Variants in this gene are known to have variable expressivity. Intrafamilial variability has been reported for neurodevelopmental disorder, RELN-related (PMID: 35769015). (I) 0200 - Variant is predicted to result in a missense amino acid change from alanine to threonine. (I) 0251 - This variant is heterozygous. (I) 0301 - Variant is absent from gnomAD (both v2 and v3). (SP) 0309 - An alternative amino acid change at the same position has been observed in gnomAD (v3) (1 heterozygote, 0 homozygotes). (I) 0503 - Missense variant consistently predicted to be tolerated by multiple in silico tools or not conserved in placental mammals with a minor amino acid change. (SB) 0604 - Variant is not located in an established domain, motif, hotspot or informative constraint region. (I) 0705 - No comparable missense variants have previous evidence for pathogenicity. (I) 0807 - This variant has no previous evidence of pathogenicity. (I) 0905 - No published segregation evidence has been identified for this variant. (I) 1007 - No published functional evidence has been identified for this variant. (I) 1208 - Inheritance information for this variant is not currently available in this individual. (I) Legend: (SP) - Supporting pathogenic, (I) - Information, (SB) - Supporting benign

Literature cited by the submitters: PubMed 35769015.